The following is an entry in ClinVar:

ClinVar aggregate classification (germline): Uncertain significance (1 of 4 stars; one submission).

Conditions:
Epilepsy, familial adult myoclonic, 5 (EPEO5). Also called: CORTICAL MYOCLONIC TREMOR WITH EPILEPSY, FAMILIAL, 5. Identifiers: Orphanet 86814, MedGen C3809374, MONDO:0014167, OMIM 615400.

Allele frequency attached by ClinVar (database versions not stated): TOPMed 0.00003; gnomAD 0.00002.
gnomAD v4.1: 35 of 1,614,056 alleles (0.0022%); highest among the groups gnomAD compares: Non-Finnish European, 0.0026%; no homozygotes.

Submission:

Labcorp Genetics (formerly Invitae), Labcorp
Classification: Uncertain significance for Epilepsy, familial adult myoclonic, 5. Last evaluated: 2022-07-19. Review status: criteria provided, single submitter. Criteria: Invitae Variant Classification Sherloc (09022015). Collection method: clinical testing. Allele origin: germline.
Comment: This sequence change replaces serine, which is neutral and polar, with asparagine, which is neutral and polar, at codon 45 of the CNTN2 protein (p.Ser45Asn). This variant is present in population databases (rs779928603, gnomAD 0.007%). This variant has not been reported in the literature in individuals affected with CNTN2-related conditions. ClinVar contains an entry for this variant (Variation ID: 1515188). Advanced modeling of protein sequence and biophysical properties (such as structural, functional, and spatial information, amino acid conservation, physicochemical variation, residue mobility, and thermodynamic stability) performed at Invitae indicates that this missense variant is not expected to disrupt CNTN2 protein function. In summary, the available evidence is currently insufficient to determine the role of this variant in disease. Therefore, it has been classified as a Variant of Uncertain Significance.

NM_005076.5(CNTN2):c.134G>A (p.Ser45Asn)

Gene: CNTN2 (contactin 2; plus strand). Cytogenetic location: 1q32.1.
Variant type: single nucleotide variant.
Coding change: c.134G>A on transcript NM_005076.5 (MANE Select); coding-DNA position 134, G replaced by A.
Protein change: p.Ser45Asn; replaces serine 45 with asparagine.
Molecular consequence: missense variant. On other transcripts: non-coding transcript variant (1).
Genome position (GRCh38, 1-based): chr1:205,057,984, G>A. VCF-style: chr1-205057984-G-A. GRCh37 (hg19) VCF-style: chr1-205027112-G-A.
Other names: c.134G>A, p.Ser45Asn (NM_001346083.2); short protein forms S45N.
Identifiers: ClinVar variation 1515188 (VCV001515188.5), dbSNP rs779928603, ClinGen allele CA1350931.